The following is an entry in ClinVar:

NM_002834.5(PTPN11):c.1529A>C (p.Gln510Pro)

Gene: PTPN11 (protein tyrosine phosphatase non-receptor type 11; plus strand). Cytogenetic location: 12q24.13.
Variant type: single nucleotide variant.
Coding change: c.1529A>C on transcript NM_002834.5 (MANE Select); coding-DNA position 1529, A replaced by C.
Protein change: p.Gln510Pro; replaces glutamine 510 with proline.
Molecular consequence: missense variant.
Genome position (GRCh38, 1-based): chr12:112,489,105, A>C. VCF-style: chr12-112489105-A-C. GRCh37 (hg19) VCF-style: chr12-112926909-A-C.
Other names: NM_002834.4(PTPN11):c.1529A>C; c.1541A>C, p.Gln514Pro (NM_001330437.2); c.1526A>C, p.Gln509Pro (NM_001374625.1); short protein forms Q510P, Q514P, Q509P.
Identifiers: ClinVar variation 13344 (VCV000013344.43), dbSNP rs121918470, ClinGen allele CA256758.

ClinVar aggregate classification (germline): Pathogenic. Review status: reviewed by expert panel (3 of 4 stars). 18 submissions from 18 submitters: Pathogenic (1). 17 of the submissions do not count toward it. Last evaluated 2017-04-03.

Conditions:
Pigmentary skin disorders.
PTPN11-related disorder. Also called: PTPN11-Related Disorders.
Noonan syndrome (NS). Also called: Noonan's syndrome. Identifiers: Orphanet 648, MedGen C0028326, MeSH D009634, MONDO:0018997. Disease mechanism: gain of function.
Noonan syndrome with multiple lentigines. Identifiers: Orphanet 500, MedGen C0175704, MONDO:0007893.
Noonan syndrome 1 (NS1). Also called: TURNER PHENOTYPE WITH NORMAL KARYOTYPE; PTPN11-Related Noonan Syndrome; FEMALE PSEUDO-TURNER SYNDROME. Identifiers: Orphanet 648, MedGen C4551602, MONDO:0008104, OMIM 163950. Disease mechanism: gain of function.
LEOPARD syndrome 1 (LPRD1). Also called: LENTIGINOSIS, CARDIOMYOPATHIC; MULTIPLE LENTIGINES SYNDROME; PTPN11-Related LEOPARD Syndrome. Identifiers: Orphanet 500, MedGen C4551484, MONDO:0100082, OMIM 151100.
RASopathy. Also called: rasopathies; Noonan spectrum disorder. Identifiers: Orphanet 536391, MedGen C5555857, MONDO:0021060.
Noonan syndrome 3 (NS3). Also called: KRAS-Related Noonan Syndrome. Identifiers: Orphanet 648, MedGen C1860991, MONDO:0012371, OMIM 609942.

Submissions 1 to 10 of 18:

ClinGen RASopathy Variant Curation Expert Panel
Classification: Pathogenic for Noonan syndrome with multiple lentigines. Last evaluated: 2017-04-03. Review status: reviewed by expert panel. Criteria: ClinGen RASopathy ACMG Specifications v1. Collection method: curation. Allele origin: germline. Inheritance: Autosomal dominant inheritance.
Comment: The c.1529A>C (p.Gln510Pro) variant in PTPN11 has been reported as a confirmed de novo occurrence in at least 2 patients with clinical features of a RASopathy (PS2_VeryStrong; Partners LMM, GeneDx, Institute of Human Genetics, Otto von Guericke University Magdeburg internal data, APHP-Robert DebrâˆšÂ© Hospital; SCV000057459.14; SCV000200027.4; SCV000265844.1;. PMID 15520399, 20578946). The p.Gln510Pro variant in PTPN11 has been reported in the literature to segregate with clinical features of a RASopathy in at least 4 family members (PP1_Moderate; APHP-Robert DebrâˆšÂ© Hospital: GTR Lab ID: 28338). The variant has also been identified in at least 2 independent occurrences in patients with clinical features of a RASopathy (PS4_Supporting; Partners LMM, GeneDx, Institute of Human Genetics, Otto von Guericke University Magdeburg internal data, APHP-Robert DebrâˆšÂ© Hospital; SCV000057459.14; SCV000200027.4; SCV000265844.1;. PMID 15520399, 20578946). This variant was absent from large population studies (PM2; ExAC). The variant is in PTPN11, which has been defined by the ClinGen RASopathy Expert Panel as a gene with low rate of benign missense with missense variants commonly being pathogenic (PP2; PMID 29493581). Computational prediction tools and conservation analysis suggest that the p.Gln510Pro variant may impact the protein (PP3). In summary, this variant meets criteria to be classified as pathogenic for RASopathies in an autosomal dominant manner. ACMG/AMP criteria applied: PS2_VeryStrong, PP1_Moderate, PM2, PP2, PP3, PS4_Supporting.

Dasa
Classification: Pathogenic. Last evaluated: 2025-11-14. Review status: criteria provided, single submitter. Criteria: DASA Assertion Criteria. Collection method: clinical testing. Allele origin: germline. Not counted in ClinVar's aggregate classification.
Comment: NM_002834.5(PTPN11):c.1529A>C (p.Gln510Pro) is a missense variant that results in the substitution of glutamine with proline. This variant has been reported in individuals with related phenotype. Segregation evidence has been reported in affected families. Multiple computational predictions support a deleterious effect on the gene or gene product. Based on the available data, this variant is classified as pathogenic.

Genetics Laboratory, Great Ormond Street Hospital NHS Foundation Trust, North Thames Genomic Laboratory Hub
Classification: Pathogenic for Pigmentary skin disorders. Last evaluated: 2025-10-08. Review status: criteria provided, single submitter. Criteria: ACGS Best Practice Guidelines for Variant Classification in Rare Disease 2024 v1.2. Collection method: clinical testing. Allele origin: germline. Affected: yes. Not counted in ClinVar's aggregate classification.
Comment: PS4_moderate, PM2_moderate, PP3_supporting, PM5_supporting, PS3_supporting, PP2_supporting, PS2_strong

Labcorp Genetics (formerly Invitae), Labcorp
Classification: Pathogenic for RASopathy. Last evaluated: 2023-06-09. Review status: criteria provided, single submitter. Criteria: Invitae Variant Classification Sherloc (09022015). Collection method: clinical testing. Allele origin: germline. Not counted in ClinVar's aggregate classification.
Comment: For these reasons, this variant has been classified as Pathogenic. This variant disrupts the p.Gln510 amino acid residue in PTPN11. Other variant(s) that disrupt this residue have been determined to be pathogenic (PMID: 21677813, 22058153, 25708222). This suggests that this residue is clinically significant, and that variants that disrupt this residue are likely to be disease-causing. Experimental studies have shown that this missense change affects PTPN11 function (PMID: 16638574, 20308328). Advanced modeling performed at Invitae incorporating data from internal and/or published experimental studies (Invitae) indicates that this missense variant is expected to disrupt PTPN11 function. ClinVar contains an entry for this variant (Variation ID: 13344). This missense change has been observed in individual(s) with Noonan syndrome and/or Noonan syndrome with multiple lentigines (NSML, formerly known as LEOPARD syndrome) (PMID: 15520399, 15690106, 16358218, 20578946). In at least one individual the variant was observed to be de novo. It has also been observed to segregate with disease in related individuals. This variant is not present in population databases (gnomAD no frequency). This sequence change replaces glutamine, which is neutral and polar, with proline, which is neutral and non-polar, at codon 510 of the PTPN11 protein (p.Gln510Pro).

GeneDx
Classification: Pathogenic. Last evaluated: 2022-07-22. Review status: criteria provided, single submitter. Criteria: GeneDx Variant Classification Process June 2021. Collection method: clinical testing. Allele origin: germline. Affected: yes. Not counted in ClinVar's aggregate classification.
Comment: Published functional studies demonstrate a damaging effect in which Q510P leads to negligible catalytic activity and has a dominant positive effect on AKT activation (Hanna et al., 2006; Edouard et al., 2010); The majority of missense variants in this gene are considered pathogenic (HGMD); Not observed at significant frequency in large population cohorts (gnomAD); In silico analysis supports that this missense variant has a deleterious effect on protein structure/function; This variant is associated with the following publications: (PMID: 15690106, 20578946, 15520399, 16638574, 20308328, 24803665, 30896080, 31560489)

Institute of Human Genetics, Clinical Exome/Genome Diagnostics Group, University Hospital Bonn
Classification: Pathogenic for LEOPARD syndrome 1; Noonan syndrome 1. Last evaluated: 2022-07-19. Review status: criteria provided, single submitter. Criteria: ACMG Guidelines, 2015. Collection method: clinical testing. Allele origin: germline. Affected: yes. Not counted in ClinVar's aggregate classification.

Blueprint Genetics
Classification: Pathogenic for PTPN11-related disorders. Last evaluated: 2021-05-24. Review status: criteria provided, single submitter. Criteria: ACMG Guidelines, 2015. Collection method: clinical testing. Allele origin: germline. Affected: yes. Observed: 1 variant allele. Not counted in ClinVar's aggregate classification.

Institute of Human Genetics Munich, TUM University Hospital
Classification: Pathogenic for Noonan syndrome 1. Last evaluated: 2020-07-13. Review status: criteria provided, single submitter. Criteria: Classification criteria August 2017. Collection method: clinical testing. Allele origin: de novo. Inheritance: Autosomal dominant inheritance. Affected: yes. Observed: 1 heterozygote. Not counted in ClinVar's aggregate classification.

Revvity Omics, Revvity
Classification: Pathogenic. Last evaluated: 2019-09-23. Review status: criteria provided, single submitter. Criteria: ACMG Guidelines, 2015. Collection method: clinical testing. Allele origin: germline. Not counted in ClinVar's aggregate classification.

Women's Health and Genetics/Laboratory Corporation of America, LabCorp
Classification: Pathogenic for Noonan syndrome 3. Last evaluated: 2019-06-28. Review status: criteria provided, single submitter. Criteria: LabCorp Variant Classification Summary - May 2015. Collection method: clinical testing. Allele origin: germline. Not counted in ClinVar's aggregate classification.
Comment: Variant summary: PTPN11 c.1529A>C (p.Gln510Pro) results in a non-conservative amino acid change located in the protein-tyrosine phosphatase catalytic domain (IPR003595) of the encoded protein sequence. Five of five in-silico tools predict a damaging effect of the variant on protein function. The variant was absent in 251492 control chromosomes (gnomAD). c.1529A>C has been reported in the literature in multiple individuals affected with Noonan Syndrome and Related Conditions (e.g. Keren_2004, Kalidas_2005, Brasil_2010, Quaio_2012). These data indicate that the variant is very likely to be associated with disease. At least two publications reported experimental evidence demonstrating an impact on protein function (Hanna_2006, Edouard_2010). Five other submitters, including one expert panel (ClinGen RASopathy Variant Curation Expert Panel), have provided clinical-significance assessments for this variant in ClinVar after 2014, and all of them classified the variant as pathogenic. Based on the evidence outlined above, the variant was classified as pathogenic.